The following is an entry in ClinVar:

ClinVar aggregate classification (germline): Uncertain significance (1 of 4 stars; one submission).

Allele frequency attached by ClinVar (database versions not stated): ExAC 0.00001; gnomAD exomes 0.00001.
gnomAD v4.1: 4 of 1,614,042 alleles (0.00025%); highest among the groups gnomAD compares: Non-Finnish European, 0.00034%; no homozygotes.

Submission:

Labcorp Genetics (formerly Invitae), Labcorp
Classification: Uncertain significance. Last evaluated: 2022-02-23. Review status: criteria provided, single submitter. Criteria: Invitae Variant Classification Sherloc (09022015). Collection method: clinical testing. Allele origin: germline.
Comment: In summary, the available evidence is currently insufficient to determine the role of this variant in disease. Therefore, it has been classified as a Variant of Uncertain Significance. This sequence change affects codon 1024 of the ANK3 mRNA. It is a 'silent' change, meaning that it does not change the encoded amino acid sequence of the ANK3 protein. This variant is present in population databases (rs775974235, gnomAD 0.0009%). This variant has not been reported in the literature in individuals affected with ANK3-related conditions. Algorithms developed to predict the effect of sequence changes on RNA splicing suggest that this variant may disrupt the consensus splice site.

NM_020987.5(ANK3):c.3072G>A (p.Leu1024=)

Gene: ANK3 (ankyrin 3; minus strand). Cytogenetic location: 10q21.2.
Variant type: single nucleotide variant.
Coding change: c.3072G>A on transcript NM_020987.5 (MANE Select); coding-DNA position 3072, G replaced by A.
Protein change: p.Leu1024=; no amino-acid change (leucine 1024 retained).
Molecular consequence: synonymous variant.
Genome position (GRCh38, 1-based): chr10:60,108,931, C>T on the plus strand (G>A on the coding strand, the complement: ANK3 is on the minus strand). VCF-style: chr10-60108931-C-T. GRCh37 (hg19) VCF-style: chr10-61868689-C-T.
Other names: c.474G>A, p.Leu158= (NM_001149.4); c.3054G>A, p.Leu1018= (NM_001204403.2); c.3075G>A, p.Leu1025= (NM_001204404.2); c.3072G>A, p.Leu1024= (NM_001320874.2).
Identifiers: ClinVar variation 1991443 (VCV001991443.4), dbSNP rs775974235, ClinGen allele CA5512574.